The following is an entry in ClinVar:

ClinVar aggregate classification (germline): Likely benign (1 of 4 stars; one submission).

Allele frequency attached by ClinVar (database versions not stated): 1000 Genomes Project 0.00060; 1000 Genomes Project 30x 0.00062; gnomAD 0.00299; TOPMed 0.00306; ExAC 0.00312; ESP Exome Variant Server 0.00392; gnomAD exomes 0.00527.
gnomAD v4.1: 8,085 of 1,614,120 alleles (0.5%); highest among the groups gnomAD compares: Non-Finnish European, 0.63%; 36 homozygotes.

Submission:

CeGaT Center for Human Genetics Tuebingen
Classification: Likely benign. Last evaluated: 2022-08-01. Review status: criteria provided, single submitter. Criteria: CeGaT Center For Human Genetics Tuebingen Variant Classification Criteria Version 2. Collection method: clinical testing. Allele origin: germline. Affected: yes. Observed: 1 variant allele.
Comment: APOL6: BP4, BP7

NM_030641.4(APOL6):c.804G>A (p.Ala268=)

Gene: APOL6 (apolipoprotein L6; plus strand). Cytogenetic location: 22q12.3.
Variant type: single nucleotide variant.
Coding change: c.804G>A on transcript NM_030641.4 (MANE Select); coding-DNA position 804, G replaced by A.
Protein change: p.Ala268=; no amino-acid change (alanine 268 retained).
Molecular consequence: synonymous variant.
Genome position (GRCh38, 1-based): chr22:35,659,368, G>A. VCF-style: chr22-35659368-G-A. GRCh37 (hg19) VCF-style: chr22-36055415-G-A.
Identifiers: ClinVar variation 2653094 (VCV002653094.24), dbSNP rs138269979, ClinGen allele CA10206258.
Genomic context (GRCh38, chr22:35,659,368, plus strand): 5'-CTTGGCCACTCTCTCAAAGGAATGGAAGCACCTGAAGGAAGGAGCAAGGACAAAGTTTGC[G>A]GAAGAGTTGAGAGCCAAGGCCTTGGAGCTGGAGAGGAAACTCACAGAACTCACCCAGCTC-3'
Protein context (NP_085144.1, residues 258-278): HLKEGARTKF[Ala268=]EELRAKALEL